The following is an entry in ClinVar:

NM_016955.4(SEPSECS):c.322G>A (p.Ala108Thr)

Gene: SEPSECS (Sep (O-phosphoserine) tRNA:Sec (selenocysteine) tRNA synthase; minus strand). Cytogenetic location: 4p15.2.
Variant type: single nucleotide variant.
Coding change: c.322G>A on transcript NM_016955.4 (MANE Select); coding-DNA position 322, G replaced by A.
Protein change: p.Ala108Thr; replaces alanine 108 with threonine.
Molecular consequence: missense variant.
Genome position (GRCh38, 1-based): chr4:25,156,922, C>T on the plus strand (G>A on the coding strand, the complement: SEPSECS is on the minus strand). VCF-style: chr4-25156922-C-T. GRCh37 (hg19) VCF-style: chr4-25158544-C-T.
Other names: NM_016955.4:c.322G>A; c.577G>A, p.Ala193Thr (NM_001410714.1); short protein forms A108T, A193T.
Identifiers: ClinVar variation 4819587 (VCV004819587.1).
Genomic context (GRCh38, chr4:25,156,922, plus strand): 5'-GCTTTATAATGTCCAGGACCAAAGAATTGGTAATTTTGTTCAAAAGGCTAGAGCCTGCAG[C>T]TTTTGGTTGCACAGCAGAAATATCACCGGATCGTCCAATGCCATGAATGAACCTAAGCAA-3'
Protein context (NP_058651.3, residues 98-118): SGDISAVQPK[Ala108Thr]AGSSLLNKIT

ClinVar aggregate classification (germline): Uncertain significance (1 of 4 stars; one submission).

Conditions:
Pontocerebellar hypoplasia type 2D (PCH2D). Also called: Progressive cerebello-cerebral atrophy. Identifiers: Orphanet 247198, Orphanet 2524, MedGen C3151140, MONDO:0013438, OMIM 613811.

gnomAD v4.1: 2 of 1,613,602 alleles (0.00012%); highest among the groups gnomAD compares: Non-Finnish European, 0.00017%; no homozygotes.

Submission:

Broad Center for Mendelian Genomics, Broad Institute of MIT and Harvard
Classification: Uncertain significance for Pontocerebellar hypoplasia type 2D. Last evaluated: 2026-03-05. Review status: criteria provided, single submitter. Criteria: ACMG Guidelines, 2015. Collection method: research. Allele origin: germline. Inheritance: Autosomal recessive inheritance. Study: GREGoR Consortium.
Comment: This variant has also been identified in 1 individual of European descent (0.0008%) by gnomAD (PM2_supporting.). Computational prediction tools and conservation analyses suggest that this variant may impact the protein, though this information is not predictive enough to determine pathogenicity (PP3). In summary, while there is some suspicion for a pathogenic role, the clinical significance of this variant is uncertain. ACMG/AMP Criteria applied: PM3, PP3, PM2_supporting.